The following is an entry in ClinVar:

NM_001122769.3(LCA5):c.1444C>T (p.Arg482Ter)

Gene: LCA5 (lebercilin LCA5; minus strand). Cytogenetic location: 6q14.1.
Variant type: single nucleotide variant.
Coding change: c.1444C>T on transcript NM_001122769.3 (MANE Select); coding-DNA position 1444, C replaced by T.
Protein change: p.Arg482Ter; replaces arginine 482 with a stop codon.
Molecular consequence: nonsense.
Genome position (GRCh38, 1-based): chr6:79,487,654, G>A on the plus strand (C>T on the coding strand, the complement: LCA5 is on the minus strand). VCF-style: chr6-79487654-G-A. GRCh37 (hg19) VCF-style: chr6-80197371-G-A.
Other names: c.1444C>T, p.Arg482Ter (NM_181714.4); short protein forms R482*.
Identifiers: ClinVar variation 809973 (VCV000809973.51), dbSNP rs1182277140, ClinGen allele CA364640795.

ClinVar aggregate classification (germline): Pathogenic/Likely pathogenic. Review status: criteria provided, multiple submitters, no conflicts (2 of 4 stars). 6 submissions from 6 submitters: Pathogenic (1); Likely pathogenic (5). Last evaluated 2025-10-09.

Conditions:
Leber congenital amaurosis 5 (LCA5). Also called: Amaurosis congenita of Leber, type 5. Identifiers: Orphanet 65, MedGen C1858301, MONDO:0011473, OMIM 604537.
LCA5-related disorder. Also called: LCA5-related condition.

Allele frequency attached by ClinVar (database versions not stated): gnomAD exomes below 0.00001; TOPMed below 0.00001; gnomAD 0.00001.

Submissions (6):

Clinical Genetics Laboratory, University Hospital Schleswig-Holstein
Classification: Likely pathogenic for Leber congenital amaurosis 5. Last evaluated: 2025-10-09. Review status: criteria provided, single submitter. Criteria: ACMG Guidelines, 2015. Collection method: clinical testing. Allele origin: germline. Affected: yes. Observed: 1 heterozygote.
Comment: ACMG criteria applied: PM2, PVS1_Strong, PS4_Supporting

Blueprint Genetics
Classification: Likely pathogenic for LCA5-related disorders. Last evaluated: 2024-08-16. Review status: criteria provided, single submitter. Criteria: ACMG Guidelines, 2015. Collection method: clinical testing. Allele origin: germline. Affected: yes. Observed: 2 variant alleles.

Fulgent Genetics
Classification: Likely pathogenic for Leber congenital amaurosis 5. Last evaluated: 2024-03-14. Review status: criteria provided, single submitter. Criteria: ACMG Guidelines, 2015. Collection method: clinical testing. Allele origin: germline.

Baylor Genetics
Classification: Likely pathogenic for Leber congenital amaurosis 5. Last evaluated: 2024-01-30. Review status: criteria provided, single submitter. Criteria: ACMG Guidelines, 2015. Collection method: clinical testing. Allele origin: unknown.

Labcorp Genetics (formerly Invitae), Labcorp
Classification: Pathogenic. Last evaluated: 2023-09-05. Review status: criteria provided, single submitter. Criteria: Invitae Variant Classification Sherloc (09022015). Collection method: clinical testing. Allele origin: germline.
Comment: This sequence change creates a premature translational stop signal (p.Arg482*) in the LCA5 gene. While this is not anticipated to result in nonsense mediated decay, it is expected to disrupt the last 216 amino acid(s) of the LCA5 protein. This variant is present in population databases (no rsID available, gnomAD 0.0009%). This variant has not been reported in the literature in individuals affected with LCA5-related conditions. ClinVar contains an entry for this variant (Variation ID: 809973). This variant disrupts a region of the LCA5 protein in which other variant(s) (p.Lys586*) have been determined to be pathogenic (PMID: 23946133, 27624628). This suggests that this is a clinically significant region of the protein, and that variants that disrupt it are likely to be disease-causing. For these reasons, this variant has been classified as Pathogenic.

CeGaT Center for Human Genetics Tuebingen
Classification: Likely pathogenic. Last evaluated: 2019-02-01. Review status: criteria provided, single submitter. Criteria: CeGaT Center For Human Genetics Tuebingen Variant Classification Criteria Version 2. Collection method: clinical testing. Allele origin: germline. Affected: yes. Observed: 1 variant allele.

Literature cited by the submitters: PubMed 23946133 (cited by Labcorp Genetics (formerly Invitae), Labcorp); PubMed 27624628 (cited by Labcorp Genetics (formerly Invitae), Labcorp).